The following is an entry in ClinVar:

NM_020442.6(VARS2):c.3031G>C (p.Asp1011His)

Gene: VARS2 (valyl-tRNA synthetase 2, mitochondrial; plus strand). Cytogenetic location: 6p21.33.
Variant type: single nucleotide variant.
Coding change: c.3031G>C on transcript NM_020442.6 (MANE Select); coding-DNA position 3031, G replaced by C.
Protein change: p.Asp1011His; replaces aspartic acid 1011 with histidine.
Molecular consequence: missense variant.
Genome position (GRCh38, 1-based): chr6:30,925,949, G>C. VCF-style: chr6-30925949-G-C. GRCh37 (hg19) VCF-style: chr6-30893726-G-C.
Other names: c.2611G>C, p.Asp871His (NM_001167733.3); c.3121G>C, p.Asp1041His (NM_001167734.2); c.3121G>C (NM_001167734.1); short protein forms D1011H, D1041H, D871H.
Identifiers: ClinVar variation 1508431 (VCV001508431.8), dbSNP rs139921739, ClinGen allele CA3706435.

ClinVar aggregate classification (germline): Uncertain significance. Review status: criteria provided, multiple submitters, no conflicts (2 of 4 stars). 2 submissions from 2 submitters: Uncertain significance (2). Last evaluated 2025-08-30.

Conditions:
Inborn genetic diseases. Identifiers: MedGen C0950123, MeSH D030342.

Allele frequency attached by ClinVar (database versions not stated): TOPMed below 0.00001; ExAC 0.00001; gnomAD 0.00001; gnomAD exomes 0.00001; ESP Exome Variant Server 0.00012.
gnomAD v4.1: 9 of 1,613,090 alleles (0.00056%); highest among the groups gnomAD compares: East Asian, 0.0045%; no homozygotes.

Submissions (2):

Ambry Genetics
Classification: Uncertain significance for Inborn genetic diseases. Last evaluated: 2025-08-30. Review status: criteria provided, single submitter. Criteria: Ambry Variant Classification Scheme 2023. Collection method: clinical testing. Allele origin: germline.

Labcorp Genetics (formerly Invitae), Labcorp
Classification: Uncertain significance. Last evaluated: 2021-12-02. Review status: criteria provided, single submitter. Criteria: Invitae Variant Classification Sherloc (09022015). Collection method: clinical testing. Allele origin: germline.
Comment: This variant is present in population databases (rs139921739, gnomAD 0.007%). This sequence change replaces aspartic acid, which is acidic and polar, with histidine, which is basic and polar, at codon 1041 of the VARS2 protein (p.Asp1041His). This variant has not been reported in the literature in individuals affected with VARS2-related conditions. Algorithms developed to predict the effect of missense changes on protein structure and function are either unavailable or do not agree on the potential impact of this missense change (SIFT: "Tolerated"; PolyPhen-2: "Possibly Damaging"; Align-GVGD: "Class C0"). In summary, the available evidence is currently insufficient to determine the role of this variant in disease. Therefore, it has been classified as a Variant of Uncertain Significance.